The following is an entry in ClinVar:

NM_000159.4(GCDH):c.524del (p.Gly175fs)

Gene: GCDH (glutaryl-CoA dehydrogenase; plus strand). Cytogenetic location: 19p13.13.
Variant type: Deletion.
Coding change: c.524del on transcript NM_000159.4 (MANE Select); coding-DNA position 524, one base deleted (G; older notation c.524delG).
Protein change: p.Gly175fs; shifts the reading frame from glycine 175.
Molecular consequence: frameshift variant. On other transcripts: non-coding transcript variant (2).
Genome position (GRCh38, 1-based): chr19:12,896,010, G deleted; the last of 3 consecutive G bases (chr19:12,896,008-12,896,010); deleting any one gives the same sequence. VCF-style (leftmost placement, unchanged base first): chr19-12896007-TG-T. GRCh37 (hg19) VCF-style: chr19-13006821-TG-T.
Other names: c.524del, p.Gly175fs (NM_013976.5); short protein forms G175fs.
Identifiers: ClinVar variation 2016415 (VCV002016415.4), dbSNP rs2512572719, ClinGen allele CA2580096508.

ClinVar aggregate classification (germline): Pathogenic (1 of 4 stars; one submission).

Conditions:
Glutaric aciduria, type 1. Also called: Glutaryl-CoA dehydrogenase deficiency; GA I; Glutaric acidemia type I; Glutaricacidemia Type 1; Glutaric Acidemia Type 1; Glutaricaciduria, type I. Identifiers: Orphanet 25, MedGen C0268595, MONDO:0009281, OMIM 231670.

Submission:

Labcorp Genetics (formerly Invitae), Labcorp
Classification: Pathogenic for Glutaric aciduria, type 1. Last evaluated: 2022-07-13. Review status: criteria provided, single submitter. Criteria: Invitae Variant Classification Sherloc (09022015). Collection method: clinical testing. Allele origin: germline.
Comment: This sequence change creates a premature translational stop signal (p.Gly175Alafs*49) in the GCDH gene. It is expected to result in an absent or disrupted protein product. Loss-of-function variants in GCDH are known to be pathogenic (PMID: 10699052, 11854167, 16602100). This variant is not present in population databases (gnomAD no frequency). This variant has not been reported in the literature in individuals affected with GCDH-related conditions. For these reasons, this variant has been classified as Pathogenic.

Literature cited by the submitters: PubMed 10699052; PubMed 11854167; PubMed 16602100.